The following is an entry in ClinVar:

NM_032634.4(PIGO):c.1348C>T (p.Arg450Cys)

Gene: PIGO (phosphatidylinositol glycan anchor biosynthesis class O; minus strand). Cytogenetic location: 9p13.3.
Variant type: single nucleotide variant.
Coding change: c.1348C>T on transcript NM_032634.4 (MANE Select); coding-DNA position 1348, C replaced by T.
Protein change: p.Arg450Cys; replaces arginine 450 with cysteine.
Molecular consequence: missense variant. On other transcripts: intron variant (2).
Genome position (GRCh38, 1-based): chr9:35,092,539, G>A on the plus strand (C>T on the coding strand, the complement: PIGO is on the minus strand). VCF-style: chr9-35092539-G-A. GRCh37 (hg19) VCF-style: chr9-35092536-G-A.
Other names: c.1348C>T (NM_032634.3); c.1344+4C>T (NM_152850.4, NM_001201484.2); short protein forms R450C.
Identifiers: ClinVar variation 1019682 (VCV001019682.7), dbSNP rs756670230, ClinGen allele CA5040656.
Genomic context (GRCh38, chr9:35,092,539, plus strand): 5'-GAGATGCCAGCAGGCAGATAAAGCAGGAAGCAGCCAAGAGAGCAGTACCCCCCGCCATGC[G>A]GACCAGAGAGAAACGAGCCCAAGACTCGATGCACATGGCCCGAGCTCCCCGCAGGAACTG-3'
Protein context (NP_116023.2, residues 440-460): IESWARFSLV[Arg450Cys]MAGGTALLAA

ClinVar aggregate classification (germline): Uncertain significance. Review status: criteria provided, multiple submitters, no conflicts (2 of 4 stars). 2 submissions from 2 submitters: Uncertain significance (2). Last evaluated 2025-09-25.

Conditions:
Hyperphosphatasia with impaired intellectual development syndrome 2. Also called: Hyperphosphatasia with intellectual disability syndrome 2; GLYCOSYLPHOSPHATIDYLINOSITOL BIOSYNTHESIS DEFECT 6. Identifiers: Orphanet 247262, MedGen C3553637, MONDO:0013882, OMIM 614749.
Inborn genetic diseases. Identifiers: MedGen C0950123, MeSH D030342.

Allele frequency attached by ClinVar (database versions not stated): TOPMed below 0.00001; ExAC 0.00001; gnomAD exomes 0.00001 and 0.00002.
gnomAD v4.1: 29 of 1,614,198 alleles (0.0018%); highest among the groups gnomAD compares: Middle Eastern, 0.016%; no homozygotes.

Submissions (2):

Ambry Genetics
Classification: Uncertain significance for Inborn genetic diseases. Last evaluated: 2025-09-25. Review status: criteria provided, single submitter. Criteria: Ambry Variant Classification Scheme 2023. Collection method: clinical testing. Allele origin: germline.

Labcorp Genetics (formerly Invitae), Labcorp
Classification: Uncertain significance for Hyperphosphatasia with impaired intellectual development syndrome 2. Last evaluated: 2020-04-17. Review status: criteria provided, single submitter. Criteria: Invitae Variant Classification Sherloc (09022015). Collection method: clinical testing. Allele origin: germline.
Comment: In summary, the available evidence is currently insufficient to determine the role of this variant in disease. Therefore, it has been classified as a Variant of Uncertain Significance. Algorithms developed to predict the effect of missense changes on protein structure and function are either unavailable or do not agree on the potential impact of this missense change (SIFT: "Deleterious"; PolyPhen-2: "Probably Damaging"; Align-GVGD: "Class C0"). This variant has not been reported in the literature in individuals with PIGO-related conditions. This variant is present in population databases (rs756670230, ExAC 0.002%). This sequence change replaces arginine with cysteine at codon 450 of the PIGO protein (p.Arg450Cys). The arginine residue is moderately conserved and there is a large physicochemical difference between arginine and cysteine.